The following is an entry in ClinVar:

ClinVar aggregate classification (germline): Uncertain significance (1 of 4 stars; one submission).

Conditions:
Cardiovascular phenotype. Identifiers: MedGen CN230736.

Allele frequency attached by ClinVar (database versions not stated): gnomAD exomes below 0.00001.

Submission:

Ambry Genetics
Classification: Uncertain significance for Cardiovascular phenotype. Last evaluated: 2022-10-14. Review status: criteria provided, single submitter. Criteria: Ambry Variant Classification Scheme 2023. Collection method: clinical testing. Allele origin: germline.
Comment: The p.G156S variant (also known as c.466G>A), located in coding exon 4 of the PRDM5 gene, results from a G to A substitution at nucleotide position 466. The glycine at codon 156 is replaced by serine, an amino acid with similar properties. This amino acid position is conserved. In addition, this alteration is predicted to be tolerated by in silico analysis. Since supporting evidence is limited at this time, the clinical significance of this alteration remains unclear.

NM_018699.4(PRDM5):c.466G>A (p.Gly156Ser)

Gene: PRDM5 (PR/SET domain 5; minus strand). Cytogenetic location: 4q27.
Variant type: single nucleotide variant.
Coding change: c.466G>A on transcript NM_018699.4 (MANE Select); coding-DNA position 466, G replaced by A.
Protein change: p.Gly156Ser; replaces glycine 156 with serine.
Molecular consequence: missense variant.
Genome position (GRCh38, 1-based): chr4:120,821,180, C>T on the plus strand (G>A on the coding strand, the complement: PRDM5 is on the minus strand). VCF-style: chr4-120821180-C-T. GRCh37 (hg19) VCF-style: chr4-121742335-C-T.
Other names: c.466G>A, p.Gly156Ser (NM_001300823.2, NM_001300824.2, NM_001379104.1 and 1 more transcripts); short protein forms G156S.
Identifiers: ClinVar variation 1742306 (VCV001742306.2), dbSNP rs2478057734, ClinGen allele CA358208531.